The following is an entry in ClinVar:

ClinVar aggregate classification (germline): Pathogenic. Review status: criteria provided, multiple submitters, no conflicts (2 of 4 stars). 4 submissions from 4 submitters: Pathogenic (3). 1 of the submissions does not count toward it. Last evaluated 2024-08-11.

Conditions:
Hypotonia, infantile, with psychomotor retardation and characteristic facies 1 (INNFD). Identifiers: Orphanet 371364, Orphanet 700336, MedGen C3809454, MONDO:0024567, OMIM 615419.

Submissions (4):

GeneDx
Classification: Pathogenic. Last evaluated: 2024-08-11. Review status: criteria provided, single submitter. Criteria: GeneDx Variant Classification Process June 2021. Collection method: clinical testing. Allele origin: germline. Affected: yes.
Comment: Frameshift variant predicted to result in protein truncation or nonsense mediated decay in a gene for which loss of function is a known mechanism of disease; Not observed at significant frequency in large population cohorts (gnomAD); This variant is associated with the following publications: (PMID: 30167850, 30293248)

Labcorp Genetics (formerly Invitae), Labcorp
Classification: Pathogenic. Last evaluated: 2023-05-22. Review status: criteria provided, single submitter. Criteria: Invitae Variant Classification Sherloc (09022015). Collection method: clinical testing. Allele origin: germline.
Comment: For these reasons, this variant has been classified as Pathogenic. ClinVar contains an entry for this variant (Variation ID: 684701). The frequency data for this variant in the population databases is considered unreliable, as metrics indicate poor data quality at this position in the gnomAD database. This premature translational stop signal has been observed in individual(s) with autosomal recessive infantile neuroaxonal dystrophy (PMID: 30167850, 30293248). This sequence change creates a premature translational stop signal (p.Leu1019Phefs*30) in the NALCN gene. It is expected to result in an absent or disrupted protein product. Loss-of-function variants in NALCN are known to be pathogenic (PMID: 23749988, 24075186).

Institute for Medical Genetics and Human Genetics, Charité - Universitätsmedizin Berlin
Classification: Pathogenic. Last evaluated: 2022-09-16. Review status: criteria provided, single submitter. Criteria: ACMG Guidelines, 2015. Collection method: clinical testing. Allele origin: germline. Inheritance: Autosomal recessive inheritance. Affected: yes. Observed: 2 homozygotes. Clinical features observed: Floppy infant (HP:0008947), Retrognathia (HP:0000278), Fetal growth restriction (HP:0001511), Wide mouth (HP:0000154), Feeding difficulties (HP:0011968), Neonatal breathing dysregulation (HP:0002790), Microcephaly (HP:0000252).

Yale Center for Mendelian Genomics, Yale University
Classification: Pathogenic for Hypotonia, infantile, with psychomotor retardation and characteristic facies 1. Last evaluated: 2018-08-23. Review status: no assertion criteria provided. Collection method: literature only. Allele origin: germline. Affected: yes. Observed: 2 homozygotes. Not counted in ClinVar's aggregate classification.

Literature cited by the submitters: PubMed 30167850 (cited by Labcorp Genetics (formerly Invitae), Labcorp and Yale Center for Mendelian Genomics, Yale University); PubMed 30293248 (cited by Labcorp Genetics (formerly Invitae), Labcorp); PubMed 23749988 (cited by Labcorp Genetics (formerly Invitae), Labcorp); PubMed 24075186 (cited by Labcorp Genetics (formerly Invitae), Labcorp).

NM_052867.4(NALCN):c.3056dup (p.Leu1019fs)

Gene: NALCN (sodium leak channel, non-selective; minus strand). Cytogenetic location: 13q33.1.
Variant type: Duplication.
Coding change: c.3056dup on transcript NM_052867.4 (MANE Select); coding-DNA position 3056, one base duplicated (T; older notation c.3056dupT).
Protein change: p.Leu1019fs; shifts the reading frame from leucine 1019.
Molecular consequence: frameshift variant.
Genome position (GRCh38, 1-based): chr13:101,103,173, A duplicated on the plus strand (T on the coding strand, the reverse complement: NALCN is on the minus strand); the first of 7 consecutive A bases (chr13:101,103,173-101,103,179); duplicating any one gives the same sequence. VCF-style (leftmost placement, unchanged base first): chr13-101103172-C-CA. GRCh37 (hg19) VCF-style: chr13-101755523-C-CA.
Other names: c.3143dup, p.Leu1048fs (NM_001350748.2); c.3056dup, p.Leu1019fs (NM_001350749.2); c.2969dup, p.Leu990fs (NM_001350750.2, NM_001350751.2); c.3056dup (NM_052867.2); c.3056dupT (NM_052867.2); short protein forms L1019fs, L990fs, L1048fs.
Identifiers: ClinVar variation 684701 (VCV000684701.9), dbSNP rs772394714, ClinGen allele CA7035517.